The following is an entry in ClinVar:

NM_015107.3(PHF8):c.1577A>G (p.Asp526Gly)

Gene: PHF8 (PHD finger protein 8; minus strand). Cytogenetic location: Xp11.22.
Variant type: single nucleotide variant.
Coding change: c.1577A>G on transcript NM_015107.3 (MANE Select); coding-DNA position 1577, A replaced by G.
Protein change: p.Asp526Gly; replaces aspartic acid 526 with glycine.
Molecular consequence: missense variant. On other transcripts: intron variant (1).
Genome position (GRCh38, 1-based): chrX:53,993,650, T>C on the plus strand (A>G on the coding strand, the complement: PHF8 is on the minus strand). VCF-style: chrX-53993650-T-C. GRCh37 (hg19) VCF-style: chrX-54020083-T-C.
Other names: c.1685A>G, p.Asp562Gly (NM_001184896.1); c.1577A>G, p.Asp526Gly (NM_001184898.2); c.1324-811A>G (NM_001184897.2); short protein forms D526G, D562G.
Identifiers: ClinVar variation 1805762 (VCV001805762.2), dbSNP rs2519569514, ClinGen allele CA413257249.

ClinVar aggregate classification (germline): Uncertain significance (1 of 4 stars; one submission).

Conditions:
Intellectual developmental disorder, X-linked, syndromic, Siderius type. Also called: Syndromic X-linked intellectual disability Siderius type. Identifiers: Orphanet 85287, MedGen C1846055, MONDO:0010286, OMIM 300263.

Allele frequency attached by ClinVar (database versions not stated): gnomAD exomes below 0.00001.
gnomAD v4.1: 3 of 1,211,137 alleles (0.00025%); highest among the groups gnomAD compares: Non-Finnish European, 0.00034%; no homozygotes.

Submission:

Victorian Clinical Genetics Services, Murdoch Childrens Research Institute
Classification: Uncertain significance for Intellectual developmental disorder, X-linked, syndromic, Siderius type. Last evaluated: 2020-05-25. Review status: criteria provided, single submitter. Criteria: ACMG Guidelines, 2015. Collection method: clinical testing. Allele origin: germline. Inheritance: X-linked inheritance. Affected: yes.
Comment: A heterozygous missense variant was identified, NM_015107.2(PHF8):c.1577A>G in exon 13 of the PHF8 gene. (NB: this variant is non-coding in alternative transcript). This substitution is predicted to create a moderate amino acid change from an aspartic acid to a glycine at position 526 of the protein; NP_055922.1(PHF8):p.(Asp526Gly). The aspartic acid at this position has high conservation (100 vertebrates, UCSC), but is not situated in a known functional domain (NCBI, PDB). In silico software predictions of the pathogenicity of this variant are conflicting (PolyPhen2, PROVEAN, MutationAssessor, FATHMM). The variant is not present in the gnomAD population database. This variant has not previously been reported in clinical cases. Based on information available at the time of curation, this variant has been classified as a VUS.